The following is an entry in ClinVar:

ClinVar aggregate classification (germline): Uncertain significance. Review status: criteria provided, multiple submitters, no conflicts (2 of 4 stars). 8 submissions from 8 submitters: Uncertain significance (8). Last evaluated 2025-10-18.

Conditions:
TTN-related disorder. Also called: TTN-related disorders; TTN-related condition; TTN-related disease.
Autosomal recessive limb-girdle muscular dystrophy type 2J (LGMDR10). Also called: Limb-girdle muscular dystrophy, type 2J; MUSCULAR DYSTROPHY, LIMB-GIRDLE, AUTOSOMAL RECESSIVE 10. Identifiers: Orphanet 140922, MedGen C1837342, MONDO:0012127, OMIM 608807.
Dilated cardiomyopathy 1G (CMD1G). Identifiers: Orphanet 154, MedGen C1858763, MONDO:0011400, OMIM 604145.
Early-onset myopathy with fatal cardiomyopathy (CMYO5). Also called: Salih Myopathy; CONGENITAL MYOPATHY 5 WITH CARDIOMYOPATHY. Identifiers: Orphanet 289377, MedGen C2673677, MONDO:0012714, OMIM 611705. Disease mechanism: loss of function.
Hypertrophic cardiomyopathy 9. Also called: Familial hypertrophic cardiomyopathy 9. Identifiers: MedGen C1861065, MONDO:0013412, OMIM 613765.
Myopathy, myofibrillar, 9, with early respiratory failure (MFM9). Also called: Hereditary myopathy with early respiratory failure; MYOPATHY, PROXIMAL, WITH EARLY RESPIRATORY MUSCLE INVOLVEMENT; EDSTROM MYOPATHY; Myopathy, distal, with early respiratory failure, autosomal dominant. Identifiers: Orphanet 178464, Orphanet 34521, MedGen C1863599, MONDO:0011362, OMIM 603689.
Tibial muscular dystrophy (TMD). Also called: UDD MYOPATHY; Tibial muscular dystrophy, tardive; Udd Distal Myopathy – Tibial Muscular Dystrophy. Identifiers: Orphanet 609, MedGen C1838244, MONDO:0010870, OMIM 600334.
Cardiomyopathy (CMYO). Also called: Cardiomyopathies. Identifiers: Orphanet 167848, MedGen C0878544, MONDO:0004994, HP:0001638. Inheritance: Various modes of inheritance.

Allele frequency attached by ClinVar (database versions not stated): TOPMed below 0.00001; ExAC 0.00001; gnomAD 0.00001; gnomAD exomes 0.00002 and 0.00008; ESP Exome Variant Server 0.00008.
gnomAD v4.1: 112 of 1,613,834 alleles (0.0069%); highest among the groups gnomAD compares: Non-Finnish European, 0.0092%; no homozygotes.

Submissions (8):

GeneDx
Classification: Uncertain significance. Last evaluated: 2025-10-18. Review status: criteria provided, single submitter. Criteria: GeneDx Variant Classification Process June 2021. Collection method: clinical testing. Allele origin: germline. Affected: yes.
Comment: Not observed at significant frequency in large population cohorts (gnomAD); Missense variant in a gene in which most reported pathogenic variants are truncating/loss of function; Has not been previously published as pathogenic or benign to our knowledge

PreventionGenetics, part of Exact Sciences
Classification: Uncertain significance for TTN-related condition. Last evaluated: 2025-09-29. Review status: criteria provided, single submitter. Criteria: ACMG Guidelines, 2015. Collection method: clinical testing. Allele origin: germline.
Comment: The TTN c.30196G>C variant is predicted to result in the amino acid substitution p.Glu10066Gln. To our knowledge, this variant has not been reported in the literature. This variant is reported in 0.0033% of alleles in individuals of South Asian descent in gnomAD. At this time, the clinical significance of this variant is uncertain due to the absence of conclusive functional and genetic evidence.

ARUP Laboratories, Molecular Genetics and Genomics, ARUP Laboratories
Classification: Uncertain significance. Last evaluated: 2023-09-28. Review status: criteria provided, single submitter. Criteria: ARUP Molecular Germline Variant Investigation Process 2024. Collection method: clinical testing. Allele origin: germline.
Comment: The TTN c.30196G>C; p.Glu10066Gln variant (rs370072382; ClinVar Variation ID: 404868) is rare in the general population (<0.2% allele frequency in the Genome Aggregation Database) and has not been reported in the medical literature in association with dilated cardiomyopathy (DCM) or other TTN-related disease. The clinical relevance of rare missense variants in this gene, which are identified on average once per individual sequenced in affected populations (Herman 2012), is not well understood. Yet, evidence suggests that the vast majority of such missense variants do not contribute to the clinical outcome of DCM (Begay 2015). Thus, the clinical significance of the p.Glu10066Gln variant cannot be determined with certainty. References: Begay RL et al. Role of Titin Missense Variants in Dilated Cardiomyopathy. J Am Heart Assoc. 2015 Nov 13;4(11). PMID: 26567375. Herman DS et al. Truncations of titin causing dilated cardiomyopathy. N Engl J Med. 2012 Feb 16;366(7):619-28. PMID: 22335739. Linke WA and Hamdani N. Gigantic business: titin properties and function through thick and thin. Circ Res 2014; 114(6): 1052-1068. PMID: 24625729.

Revvity Omics, Revvity
Classification: Uncertain significance. Last evaluated: 2021-10-22. Review status: criteria provided, single submitter. Criteria: ACMG Guidelines, 2015. Collection method: clinical testing. Allele origin: germline.

Fulgent Genetics
Classification: Uncertain significance for Tibial muscular dystrophy; Myopathy, myofibrillar, 9, with early respiratory failure; Dilated cardiomyopathy 1G; Autosomal recessive limb-girdle muscular dystrophy type 2J; Early-onset myopathy with fatal cardiomyopathy; Hypertrophic cardiomyopathy 9. Last evaluated: 2021-07-26. Review status: criteria provided, single submitter. Criteria: ACMG Guidelines, 2015. Collection method: clinical testing. Allele origin: unknown.

CHEO Genetics Diagnostic Laboratory, Children's Hospital of Eastern Ontario
Classification: Uncertain significance for Cardiomyopathy. Last evaluated: 2019-11-05. Review status: criteria provided, single submitter. Criteria: ACMG Guidelines, 2015. Collection method: clinical testing. Allele origin: germline.

Eurofins Ntd Llc (ga)
Classification: Uncertain significance. Last evaluated: 2018-06-21. Review status: criteria provided, single submitter. Criteria: EGL ClinVar v180209 classification definitions. Collection method: clinical testing. Allele origin: germline. Observed: 1 variant allele, 1 heterozygote.

Labcorp Genetics (formerly Invitae), Labcorp
Classification: Uncertain significance for Dilated cardiomyopathy 1G; Autosomal recessive limb-girdle muscular dystrophy type 2J. Last evaluated: 2016-09-03. Review status: criteria provided, single submitter. Criteria: Invitae Variant Classification Sherloc (09022015). Collection method: clinical testing. Allele origin: germline.

NM_001267550.2(TTN):c.30196G>C (p.Glu10066Gln)

Gene: TTN (titin; minus strand). Cytogenetic location: 2q31.2.
Variant type: single nucleotide variant.
Coding change: c.30196G>C on transcript NM_001267550.2 (MANE Select); coding-DNA position 30196, G replaced by C.
Protein change: p.Glu10066Gln; replaces glutamic acid 10066 with glutamine.
Molecular consequence: missense variant. On other transcripts: intron variant (3).
Genome position (GRCh38, 1-based): chr2:178,704,174, C>G on the plus strand (G>C on the coding strand, the complement: TTN is on the minus strand). VCF-style: chr2-178704174-C-G. GRCh37 (hg19) VCF-style: chr2-179568901-C-G.
Other names: c.30196G>C (NM_001267550.1); c.29245G>C, p.Glu9749Gln (NM_001256850.1); c.26464G>C, p.Glu8822Gln (NM_133378.4); c.13282+33908G>C (NM_003319.4); c.13858+33908G>C (NM_133437.4); c.13657+33908G>C (NM_133432.3); short protein forms E10066Q, E8822Q, E9749Q.
Identifiers: ClinVar variation 404868 (VCV000404868.17), dbSNP rs370072382, ClinGen allele CA1999228.
Genomic context (GRCh38, chr2:178,704,174, plus strand): 5'-GTACCCACAAGGACTCCATAGTGTTTCACGCACCTTCGATTCTGAGTTCTGCTGAAGTTT[C>G]AAGGTCTTCATATTTGCAGGTGTACTGACCCTGGTCTTCTGCTCGAACATCTGCAATGGT-3'
Protein context (NP_001254479.2, residues 10056-10076): GQYTCKYEDL[Glu10066Gln]TSAELRIEAE